The following is an entry in ClinVar:

NM_139125.4(MASP1):c.722C>T (p.Pro241Leu)

Gene: MASP1 (MBL associated serine protease 1; minus strand). Cytogenetic location: 3q27.3.
Variant type: single nucleotide variant.
Coding change: c.722C>T on transcript NM_139125.4 (MANE Select); coding-DNA position 722, C replaced by T.
Protein change: p.Pro241Leu; replaces proline 241 with leucine.
Molecular consequence: missense variant. On other transcripts: non-coding transcript variant (1).
Genome position (GRCh38, 1-based): chr3:187,256,686, G>A on the plus strand (C>T on the coding strand, the complement: MASP1 is on the minus strand). VCF-style: chr3-187256686-G-A. GRCh37 (hg19) VCF-style: chr3-186974474-G-A.
Other names: c.722C>T, p.Pro241Leu (NM_001031849.3, NM_001879.6); c.722C>T (NM_139125.3); short protein forms P241L.
Identifiers: ClinVar variation 1026839 (VCV001026839.6), dbSNP rs375399118, ClinGen allele CA2749549.

ClinVar aggregate classification (germline): Uncertain significance. Review status: criteria provided, multiple submitters, no conflicts (2 of 4 stars). 3 submissions from 3 submitters: Uncertain significance (3). Last evaluated 2024-09-10.

Conditions:
Inborn genetic diseases. Identifiers: MedGen C0950123, MeSH D030342.
3MC syndrome 1. Also called: MICHELS SYNDROME; CRANIOSYNOSTOSIS WITH LID ANOMALIES; OCULOPALATOSKELETAL SYNDROME. Identifiers: Orphanet 293843, MedGen C0796059, MONDO:0009770, OMIM 257920.

Allele frequency attached by ClinVar (database versions not stated): TOPMed 0.00002; gnomAD 0.00004; gnomAD exomes 0.00004; ExAC 0.00005; ESP Exome Variant Server 0.00008.
gnomAD v4.1: 34 of 1,613,824 alleles (0.0021%); highest among the groups gnomAD compares: Admixed American, 0.013%; no homozygotes.

Submissions (3):

Blueprint Genetics
Classification: Uncertain significance. Last evaluated: 2024-09-10. Review status: criteria provided, single submitter. Criteria: ACMG Guidelines, 2015. Collection method: clinical testing. Allele origin: germline.

Labcorp Genetics (formerly Invitae), Labcorp
Classification: Uncertain significance for 3MC syndrome 1. Last evaluated: 2023-05-02. Review status: criteria provided, single submitter. Criteria: Invitae Variant Classification Sherloc (09022015). Collection method: clinical testing. Allele origin: germline.
Comment: This variant has not been reported in the literature in individuals affected with MASP1-related conditions. In summary, the available evidence is currently insufficient to determine the role of this variant in disease. Therefore, it has been classified as a Variant of Uncertain Significance. An algorithm developed to predict the effect of missense changes on protein structure and function (PolyPhen-2) suggests that this variant¬† is likely to be tolerated. ClinVar contains an entry for this variant (Variation ID: 1026839). This variant is present in population databases (rs375399118, gnomAD 0.02%). This sequence change replaces proline, which is neutral and non-polar, with leucine, which is neutral and non-polar, at codon 241 of the MASP1 protein (p.Pro241Leu).

Ambry Genetics
Classification: Uncertain significance for Inborn genetic diseases. Last evaluated: 2021-09-01. Review status: criteria provided, single submitter. Criteria: Ambry Variant Classification Scheme 2023. Collection method: clinical testing. Allele origin: germline.